The following is an entry in ClinVar:

NM_001267550.2(TTN):c.49908del (p.Ser16637fs)

Genes: TTN-AS1 (TTN antisense RNA 1; plus strand), TTN (titin; minus strand). Cytogenetic location: 2q31.2.
Variant type: Deletion.
Coding change: c.49908del on transcript NM_001267550.2 (MANE Select); coding-DNA position 49908, one base deleted (C; older notation c.49908delC).
Protein change: p.Ser16637fs; shifts the reading frame from serine 16637.
Molecular consequence: frameshift variant.
Genome position (GRCh38, 1-based): chr2:178,612,813, G deleted on the plus strand (C on the coding strand, the reverse complement: TTN is on the minus strand); the first of 3 consecutive G bases (chr2:178,612,813-178,612,815); deleting any one gives the same sequence. VCF-style (leftmost placement, unchanged base first): chr2-178612812-TG-T. GRCh37 (hg19) VCF-style: chr2-179477539-TG-T.
Other names: c.44985del, p.Ser14996fs (NM_001256850.1); c.22713del, p.Ser7572fs (NM_003319.4); c.42204del, p.Ser14069fs (NM_133378.4); c.23088del, p.Ser7697fs (NM_133432.3); c.23289del, p.Ser7764fs (NM_133437.4); short protein forms S7697fs, S14069fs, S16637fs, S7764fs, S14996fs, S7572fs.
Identifiers: ClinVar variation 4789056 (VCV004789056.1).
Genomic context (GRCh38, chr2:178,612,812, plus strand): 5'-CAGACATCAAGAGTGACTTACATAGCTTCTCCCGGCAAAGCACAGGGTCACTGGGTTCAC[TG>T]GGTTCACTTTCCCCAGCCTTATTCACAGCTCTAACTCGGAATGAGTATTCCTGTCCTTCC-3'

ClinVar aggregate classification (germline): Likely pathogenic (1 of 4 stars; one submission).

Conditions:
Autosomal recessive limb-girdle muscular dystrophy type 2J (LGMDR10). Also called: Limb-girdle muscular dystrophy, type 2J; MUSCULAR DYSTROPHY, LIMB-GIRDLE, AUTOSOMAL RECESSIVE 10. Identifiers: Orphanet 140922, MedGen C1837342, MONDO:0012127, OMIM 608807.
Dilated cardiomyopathy 1G (CMD1G). Identifiers: Orphanet 154, MedGen C1858763, MONDO:0011400, OMIM 604145.

Submission:

Labcorp Genetics (formerly Invitae), Labcorp
Classification: Likely pathogenic for Dilated cardiomyopathy 1G; Autosomal recessive limb-girdle muscular dystrophy type 2J. Last evaluated: 2025-04-22. Review status: criteria provided, single submitter. Criteria: Invitae Variant Classification Sherloc (09022015). Collection method: clinical testing. Allele origin: germline.
Comment: This sequence change creates a premature translational stop signal (p.Ser16637Valfs*34) in the TTN gene. While this is not anticipated to result in nonsense mediated decay, it is expected to create a truncated TTN protein. This variant is not present in population databases (gnomAD no frequency). This variant has not been reported in the literature in individuals affected with TTN-related conditions. This variant is located in the A band of TTN (PMID: 25589632). Truncating variants in this region are significantly overrepresented in patients affected with dilated cardiomyopathy (PMID: 25589632). Truncating variants in this region have also been reported in individuals affected with autosomal recessive centronuclear myopathy (PMID: 23975875). In summary, the currently available evidence indicates that the variant is pathogenic, but additional data are needed to prove that conclusively. Therefore, this variant has been classified as Likely Pathogenic.

Literature cited by the submitters: PubMed 25589632; PubMed 23975875.